The following is an entry in ClinVar:

ClinVar aggregate classification (germline): Conflicting classifications of pathogenicity. Review status: criteria provided, conflicting classifications (1 of 4 stars). 2 submissions from 2 submitters: Uncertain significance (1); Likely benign (1). Last evaluated 2024-01-26.

Conditions:
Mitochondrial DNA depletion syndrome, encephalomyopathic form with methylmalonic aciduria (MTDPS5). Also called: MITOCHONDRIAL DNA DEPLETION SYNDROME, ENCEPHALOMYOPATHIC FORM, WITH OR WITHOUT METHYLMALONIC ACIDURIA, AUTOSOMAL RECESSIVE, SUCLA2-RELATED; Mitochondrial DNA depletion syndrome 5 (encephalomyopathic with or without methylmalonic aciduria); Mitochondrial encephalomyopathy aminoacidopathy; SUCLA2-Related Mitochondrial DNA Depletion Syndrome, Encephalomyopathic Form with Methylmalonic Aciduria. Identifiers: Orphanet 1933, MedGen C5980207, MONDO:0012791, OMIM 612073.

Submissions (2):

Labcorp Genetics (formerly Invitae), Labcorp
Classification: Likely benign for Mitochondrial DNA depletion syndrome, encephalomyopathic form with methylmalonic aciduria. Last evaluated: 2024-01-26. Review status: criteria provided, single submitter. Criteria: Invitae Variant Classification Sherloc (09022015). Collection method: clinical testing. Allele origin: germline.

GeneDx
Classification: Uncertain significance. Last evaluated: 2019-04-08. Review status: criteria provided, single submitter. Criteria: GeneDx Variant Classification Process June 2021. Collection method: clinical testing. Allele origin: germline. Affected: yes.
Comment: Has not been previously published as pathogenic or benign to our knowledge; In-silico analysis, which includes splice predictors and evolutionary conservation, is inconclusive as to whether the variant alters gene splicing. In the absence of RNA/functional studies, the actual effect of this sequence change is unknown.

NM_003850.3(SUCLA2):c.664-11_664-10del

Gene: SUCLA2 (succinate-CoA ligase ADP-forming subunit beta; minus strand). Cytogenetic location: 13q14.2.
Variant type: Microsatellite.
Coding change: c.664-11_664-10del on transcript NM_003850.3 (MANE Select); 11 bases into the intron before coding-DNA position 664 through 10 bases into the intron before coding-DNA position 664, 2 bases deleted (AT; older notation c.664-11_664-10delAT).
Molecular consequence: intron variant.
Genome position (GRCh38, 1-based): chr13:47,968,743-47,968,744, AT deleted on the plus strand (AT on the coding strand, the reverse complement: SUCLA2 is on the minus strand); deleting any 2 consecutive bases within chr13:47,968,743-47,968,746 gives the same sequence; the c. name uses the placement nearest the transcript's 3' end. VCF-style (leftmost placement, unchanged base first): chr13-47968742-AAT-A. GRCh37 (hg19) VCF-style: chr13-48542877-AAT-A.
Identifiers: ClinVar variation 1246292 (VCV001246292.8), dbSNP rs1491338232, ClinGen allele CA6977936.